The following is an entry in ClinVar:

ClinVar aggregate classification (germline): Pathogenic/Likely pathogenic. Review status: criteria provided, multiple submitters, no conflicts (2 of 4 stars). 3 submissions from 3 submitters: Pathogenic (1); Likely pathogenic (2). Last evaluated 2024-11-24.

Conditions:
NPHP3-related disorder. Also called: NPHP3-related disorders; NPHP3-related condition. Identifiers: MedGen CN379163.
Nephronophthisis. Also called: Juvenile Nephronophthisis. Identifiers: Orphanet 655, MedGen C0687120, MONDO:0019005, HP:0000090.
Inborn genetic diseases. Identifiers: MedGen C0950123, MeSH D030342.

Allele frequency attached by ClinVar (database versions not stated): gnomAD 0.00001; gnomAD exomes 0.00001; TOPMed 0.00001.
gnomAD v4.1: 12 of 1,611,944 alleles (0.00074%); highest among the groups gnomAD compares: African/African-American, 0.0013%; no homozygotes.

Submissions (3):

PreventionGenetics, part of Exact Sciences
Classification: Likely pathogenic for NPHP3-related condition. Last evaluated: 2024-11-24. Review status: criteria provided, single submitter. Criteria: ACMG Guidelines, 2015. Collection method: clinical testing. Allele origin: germline.
Comment: The NPHP3 c.1920T>G variant is predicted to result in the amino acid substitution p.Asp640Glu. This variant was reported in the compound heterozygous state with a pathogenic frameshift variant in an individual with NPHP3-related nephronophthisis (Supplemental Table 3, Farwell et al. 2015. PubMed ID: 25356970). This variant is reported in 0.0065% of alleles in individuals of European (Non-Finnish) descent in gnomAD. This variant is interpreted as likely pathogenic.

Labcorp Genetics (formerly Invitae), Labcorp
Classification: Pathogenic for Nephronophthisis. Last evaluated: 2022-03-11. Review status: criteria provided, single submitter. Criteria: Invitae Variant Classification Sherloc (09022015). Collection method: clinical testing. Allele origin: germline.
Comment: For these reasons, this variant has been classified as Pathogenic. Advanced modeling of protein sequence and biophysical properties (such as structural, functional, and spatial information, amino acid conservation, physicochemical variation, residue mobility, and thermodynamic stability) performed at Invitae indicates that this missense variant is expected to disrupt NPHP3 protein function. ClinVar contains an entry for this variant (Variation ID: 224989). This missense change has been observed in individual(s) with clinical features of nephronophthisis (PMID: 25356970). In at least one individual the data is consistent with being in trans (on the opposite chromosome) from a pathogenic variant. It has also been observed to segregate with disease in related individuals. This variant is present in population databases (no rsID available, gnomAD 0.007%). This sequence change replaces aspartic acid, which is acidic and polar, with glutamic acid, which is acidic and polar, at codon 640 of the NPHP3 protein (p.Asp640Glu).

Ambry Genetics
Classification: Likely pathogenic for Inborn genetic diseases. Last evaluated: 2013-12-09. Review status: criteria provided, single submitter. Criteria: Ambry Autosomal Dominant and X-Linked criteria (10/2015). Collection method: clinical testing. Allele origin: germline. Observed: 1 variant allele.

Literature cited by the submitters: PubMed 25356970 (cited by Labcorp Genetics (formerly Invitae), Labcorp).

NM_153240.5(NPHP3):c.1920T>G (p.Asp640Glu)

Genes: NPHP3 (nephrocystin 3; minus strand), NPHP3-ACAD11 (NPHP3-ACAD11 readthrough (NMD candidate); minus strand). Cytogenetic location: 3q22.1.
Variant type: single nucleotide variant.
Coding change: c.1920T>G on transcript NM_153240.5 (MANE Select); coding-DNA position 1920, T replaced by G.
Protein change: p.Asp640Glu; replaces aspartic acid 640 with glutamic acid.
Molecular consequence: missense variant.
Genome position (GRCh38, 1-based): chr3:132,699,418, A>C on the plus strand (T>G on the coding strand, the complement: NPHP3 is on the minus strand). VCF-style: chr3-132699418-A-C. GRCh37 (hg19) VCF-style: chr3-132418262-A-C.
Other names: short protein forms D640E.
Identifiers: ClinVar variation 224989 (VCV000224989.9), dbSNP rs869312915, ClinGen allele CA358008.